The following is an entry in ClinVar:

ClinVar aggregate classification (germline): Uncertain significance (1 of 4 stars; one submission).

Conditions:
Inborn genetic diseases. Identifiers: MedGen C0950123, MeSH D030342.

Submission:

Ambry Genetics
Classification: Uncertain significance for Inborn genetic diseases. Last evaluated: 2026-07-27. Review status: criteria provided, single submitter. Criteria: Ambry Variant Classification Scheme 2023. Collection method: clinical testing. Allele origin: germline.
Comment: The p.Y166H variant (also known as c.496T>C), located in coding exon 1 of the SAMD9L gene, results from a T to C substitution at nucleotide position 496. The tyrosine at codon 166 is replaced by histidine, an amino acid with similar properties. This amino acid position is conserved. In addition, this alteration is predicted to be tolerated by in silico analysis. Based on the available evidence, the clinical significance of this variant remains unclear.

NM_152703.5(SAMD9L):c.496T>C (p.Tyr166His)

Gene: SAMD9L (sterile alpha motif domain containing 9 like; minus strand). Cytogenetic location: 7q21.2.
Variant type: single nucleotide variant.
Coding change: c.496T>C on transcript NM_152703.5 (MANE Select); coding-DNA position 496, T replaced by C.
Protein change: p.Tyr166His; replaces tyrosine 166 with histidine.
Molecular consequence: missense variant.
Genome position (GRCh38, 1-based): chr7:93,135,476, A>G on the plus strand (T>C on the coding strand, the complement: SAMD9L is on the minus strand). VCF-style: chr7-93135476-A-G. GRCh37 (hg19) VCF-style: chr7-92764789-A-G.
Other names: c.496T>C, p.Tyr166His (NM_001303496.3, NM_001303497.3, NM_001303498.3 and 5 more transcripts); short protein forms Y166H.
Identifiers: ClinVar variation 5028921 (VCV005028921.1).